The following is an entry in ClinVar:

ClinVar aggregate classification (germline): Uncertain significance (1 of 4 stars; one submission).

Conditions:
Growth hormone insensitivity with immune dysregulation 1, autosomal recessive. Also called: Laron syndrome with immunodeficiency; GROWTH HORMONE INSENSITIVITY DUE TO POSTRECEPTOR DEFECT; LARON SYNDROME DUE TO POSTRECEPTOR DEFECT; GROWTH HORMONE INSENSITIVITY SYNDROME WITH IMMUNE DYSREGULATION 1, AUTOSOMAL RECESSIVE. Identifiers: Orphanet 220465, MedGen C5435698, MONDO:0100211, OMIM 245590.

Allele frequency attached by ClinVar (database versions not stated): gnomAD exomes below 0.00001; ExAC 0.00001; ESP Exome Variant Server 0.00008.

Submission:

Labcorp Genetics (formerly Invitae), Labcorp
Classification: Uncertain significance for Growth hormone insensitivity with immune dysregulation 1, autosomal recessive. Last evaluated: 2020-07-19. Review status: criteria provided, single submitter. Criteria: Invitae Variant Classification Sherloc (09022015). Collection method: clinical testing. Allele origin: germline.
Comment: In summary, the available evidence is currently insufficient to determine the role of this variant in disease. Therefore, it has been classified as a Variant of Uncertain Significance. Algorithms developed to predict the effect of missense changes on protein structure and function output the following: SIFT: "Tolerated"; PolyPhen-2: "Benign"; Align-GVGD: "Class C0". The methionine amino acid residue is found in multiple mammalian species, suggesting that this missense change does not adversely affect protein function. These predictions have not been confirmed by published functional studies and their clinical significance is uncertain. This variant has not been reported in the literature in individuals with STAT5B-related conditions. This variant is present in population databases (rs144024535, ExAC 0.01%). This sequence change replaces valine with methionine at codon 3 of the STAT5B protein (p.Val3Met). The valine residue is moderately conserved and there is a small physicochemical difference between valine and methionine.

NM_012448.4(STAT5B):c.7G>A (p.Val3Met)

Gene: STAT5B (signal transducer and activator of transcription 5B; minus strand). Cytogenetic location: 17q21.2.
Variant type: single nucleotide variant.
Coding change: c.7G>A on transcript NM_012448.4 (MANE Select); coding-DNA position 7, G replaced by A.
Protein change: p.Val3Met; replaces valine 3 with methionine.
Molecular consequence: missense variant.
Genome position (GRCh38, 1-based): chr17:42,232,121, C>T on the plus strand (G>A on the coding strand, the complement: STAT5B is on the minus strand). VCF-style: chr17-42232121-C-T. GRCh37 (hg19) VCF-style: chr17-40384139-C-T.
Other names: short protein forms V3M.
Identifiers: ClinVar variation 1040866 (VCV001040866.9), dbSNP rs144024535, ClinGen allele CA8574378.